The following is an entry in ClinVar:

ClinVar aggregate classification (germline): Uncertain significance (1 of 4 stars; one submission).

Allele frequency attached by ClinVar (database versions not stated): gnomAD exomes below 0.00001.
gnomAD v4.1: 1 of 1,614,102 alleles (0.000062%); highest among the groups gnomAD compares: Non-Finnish European, 0.000085%; no homozygotes.

Submission:

Ambry Genetics
Classification: Uncertain significance. Last evaluated: 2022-05-22. Review status: criteria provided, single submitter. Criteria: Ambry Variant Classification Scheme 2023. Collection method: clinical testing. Allele origin: germline.
Comment: The p.T808I variant (also known as c.2423C>T), located in coding exon 1 of the MLH3 gene, results from a C to T substitution at nucleotide position 2423. The threonine at codon 808 is replaced by isoleucine, an amino acid with similar properties. This amino acid position is conserved. In addition, this alteration is predicted to be tolerated by in silico analysis. Since supporting evidence is limited at this time, the clinical significance of this alteration remains unclear.

NM_001040108.2(MLH3):c.2423C>T (p.Thr808Ile)

Gene: MLH3 (mutL homolog 3; minus strand). Cytogenetic location: 14q24.3.
Variant type: single nucleotide variant.
Coding change: c.2423C>T on transcript NM_001040108.2 (MANE Select); coding-DNA position 2423, C replaced by T.
Protein change: p.Thr808Ile; replaces threonine 808 with isoleucine.
Molecular consequence: missense variant.
Genome position (GRCh38, 1-based): chr14:75,047,233, G>A on the plus strand (C>T on the coding strand, the complement: MLH3 is on the minus strand). VCF-style: chr14-75047233-G-A. GRCh37 (hg19) VCF-style: chr14-75513936-G-A.
Other names: c.2423C>T, p.Thr808Ile (NM_014381.3); short protein forms T808I.
Identifiers: ClinVar variation 1791047 (VCV001791047.2), dbSNP rs568464844, ClinGen allele CA390440602.
Genomic context (GRCh38, chr14:75,047,233, plus strand): 5'-TCTGAGTTAAGGATGTGGCTTGCTGGTTGACAACTACTATCTGAATCACTATGCTCCATA[G>A]TAGTGATTTTACAAACATCAGAGTTCTCTAAGCGGTTCTTGTCCTTCAGCAGAATGTCAG-3'
Protein context (NP_001035197.1, residues 798-818): LENSDVCKIT[Thr808Ile]MEHSDSDSSC